The following is an entry in ClinVar:

NM_001365276.2(TNXB):c.4809A>G (p.Glu1603=)

Gene: TNXB (tenascin XB; minus strand). Cytogenetic location: 6p21.33.
Variant type: single nucleotide variant.
Coding change: c.4809A>G on transcript NM_001365276.2 (MANE Select); coding-DNA position 4809, A replaced by G.
Protein change: p.Glu1603=; no amino-acid change (glutamic acid 1603 retained).
Molecular consequence: synonymous variant.
Genome position (GRCh38, 1-based): chr6:32,072,171, T>C on the plus strand (A>G on the coding strand, the complement: TNXB is on the minus strand). VCF-style: chr6-32072171-T-C. GRCh37 (hg19) VCF-style: chr6-32039948-T-C.
Other names: c.5550A>G, p.Glu1850= (NM_001428335.1); c.4809A>G, p.Glu1603= (NM_019105.8).
Identifiers: ClinVar variation 4842868 (VCV004842868.1).

ClinVar aggregate classification (germline): Uncertain significance (1 of 4 stars; one submission).

Conditions:
Cardiovascular phenotype. Identifiers: MedGen CN230736.

Submission:

Ambry Genetics
Classification: Uncertain significance for Cardiovascular phenotype. Last evaluated: 2025-12-30. Review status: criteria provided, single submitter. Criteria: Ambry Variant Classification Scheme 2023. Collection method: clinical testing. Allele origin: germline.
Comment: The c.4809A>G variant (also known as p.E1603E), located in coding exon 12 of the TNXB gene, results from an A to G substitution at nucleotide position 4809. This nucleotide substitution does not change the amino acid at codon 1603. This nucleotide position is not well conserved in available vertebrate species. In silico splice site analysis predicts that this alteration will result in the creation or strengthening of a novel splice donor site. Based on the available evidence, the clinical significance of this variant remains unclear.